The following is an entry in ClinVar:

NM_201384.3(PLEC):c.13608G>A (p.Ser4536=)

Gene: PLEC (plectin; minus strand). Cytogenetic location: 8q24.3.
Variant type: single nucleotide variant.
Coding change: c.13608G>A on transcript NM_201384.3 (MANE Select); coding-DNA position 13608, G replaced by A.
Protein change: p.Ser4536=; no amino-acid change (serine 4536 retained).
Molecular consequence: synonymous variant.
Genome position (GRCh38, 1-based): chr8:143,916,213, C>T on the plus strand (G>A on the coding strand, the complement: PLEC is on the minus strand). VCF-style: chr8-143916213-C-T. GRCh37 (hg19) VCF-style: chr8-144990381-C-T.
Other names: c.13689G>A (NM_000445.4); c.13689G>A, p.Ser4563= (NM_000445.5); c.10308G>A, p.Ser3436= (NM_001410941.1); c.13566G>A, p.Ser4522= (NM_201378.4); c.13542G>A, p.Ser4514= (NM_201379.3); c.14019G>A, p.Ser4673= (NM_201380.4); c.13512G>A, p.Ser4504= (NM_201381.3); c.13608G>A, p.Ser4536= (NM_201382.4); and 1 more.
Identifiers: ClinVar variation 2949456 (VCV002949456.4), dbSNP rs1444542865, ClinGen allele CA463525488.

ClinVar aggregate classification (germline): Likely benign. Review status: criteria provided, multiple submitters, no conflicts (2 of 4 stars). 2 submissions from 2 submitters: Likely benign (2). Last evaluated 2026-05-12.

Conditions:
PLEC-related disorder. Also called: PLEC-related condition; PLEC-related disorders.
Epidermolysis bullosa simplex, Ogna type (EBS5A). Also called: Pidermolysis bullosa simplex 5A, Ogna type; EPIDERMOLYSIS BULLOSA SIMPLEX 5A, OGNA TYPE. Identifiers: Orphanet 79401, MedGen C0432317, MONDO:0007555, OMIM 131950.
Autosomal recessive limb-girdle muscular dystrophy type 2Q (LGMDR17). Also called: MUSCULAR DYSTROPHY, LIMB-GIRDLE, AUTOSOMAL RECESSIVE 17. Identifiers: Orphanet 254361, MedGen C3150989, MONDO:0013390, OMIM 613723.
Epidermolysis bullosa simplex with nail dystrophy (EBS5D). Identifiers: MedGen C4225309, MONDO:0014661, OMIM 616487.
Epidermolysis bullosa simplex 5C, with pyloric atresia (EBS5C). Also called: PLEC-Related Epidermolysis Bullosa with Pyloric Atresia; Epidermolysis bullosa simplex with pyloric atresia; PLEC1-Related Epidermolysis Bullosa with Pyloric Atresia. Identifiers: Orphanet 158684, MedGen C2677349, MONDO:0012807, OMIM 612138.
Epidermolysis bullosa simplex 5B, with muscular dystrophy (EBS5B). Also called: Epidermolysis bullosa simplex with muscular dystrophy; EPIDERMOLYSIS BULLOSA SIMPLEX AND LIMB-GIRDLE MUSCULAR DYSTROPHY. Identifiers: Orphanet 257, MedGen C2931072, MONDO:0009181, OMIM 226670.

Allele frequency attached by ClinVar (database versions not stated): gnomAD exomes 0.00001; TOPMed 0.00001.
gnomAD v4.1: 19 of 1,544,944 alleles (0.0012%); highest among the groups gnomAD compares: East Asian, 0.0049%; no homozygotes.

Submissions (2):

PreventionGenetics, part of Exact Sciences
Classification: Likely benign for PLEC-related condition. Last evaluated: 2026-05-12. Review status: criteria provided, single submitter. Criteria: ACMG Guidelines, 2015. Collection method: clinical testing. Allele origin: germline.
Comment: This variant is classified as likely benign based on ACMG/AMP sequence variant interpretation guidelines (Richards et al. 2015 PMID: 25741868, with internal and published modifications).

Labcorp Genetics (formerly Invitae), Labcorp
Classification: Likely benign for Autosomal recessive limb-girdle muscular dystrophy type 2Q; Epidermolysis bullosa simplex, Ogna type; Epidermolysis bullosa simplex with nail dystrophy; Epidermolysis bullosa simplex 5C, with pyloric atresia; Epidermolysis bullosa simplex 5B, with muscular dystrophy. Last evaluated: 2022-12-12. Review status: criteria provided, single submitter. Criteria: Invitae Variant Classification Sherloc (09022015). Collection method: clinical testing. Allele origin: germline.